The following is an entry in ClinVar:

ClinVar aggregate classification (germline): Uncertain significance (1 of 4 stars; one submission).

Conditions:
Achondrogenesis, type IA (ACG1A). Identifiers: Orphanet 932, Orphanet 93299, MedGen C0265273, MONDO:0008701, OMIM 200600.

Allele frequency attached by ClinVar (database versions not stated): ExAC 0.00001; gnomAD 0.00001; gnomAD exomes 0.00001; TOPMed 0.00001.
gnomAD v4.1: 15 of 1,610,678 alleles (0.00093%); highest among the groups gnomAD compares: Middle Eastern, 0.033%; no homozygotes.

Submission:

Labcorp Genetics (formerly Invitae), Labcorp
Classification: Uncertain significance for Achondrogenesis, type IA. Last evaluated: 2022-07-06. Review status: criteria provided, single submitter. Criteria: Invitae Variant Classification Sherloc (09022015). Collection method: clinical testing. Allele origin: germline.
Comment: In summary, the available evidence is currently insufficient to determine the role of this variant in disease. Therefore, it has been classified as a Variant of Uncertain Significance. Algorithms developed to predict the effect of missense changes on protein structure and function output the following: SIFT: "Not Available"; PolyPhen-2: "Benign"; Align-GVGD: "Not Available". The phenylalanine amino acid residue is found in multiple mammalian species, which suggests that this missense change does not adversely affect protein function. This variant has not been reported in the literature in individuals affected with TRIP11-related conditions. This variant is present in population databases (rs768101560, gnomAD 0.002%). This sequence change replaces leucine, which is neutral and non-polar, with phenylalanine, which is neutral and non-polar, at codon 557 of the TRIP11 protein (p.Leu557Phe).

NM_004239.4(TRIP11):c.1671A>C (p.Leu557Phe)

Gene: TRIP11 (thyroid hormone receptor interactor 11; minus strand). Cytogenetic location: 14q32.12.
Variant type: single nucleotide variant.
Coding change: c.1671A>C on transcript NM_004239.4 (MANE Select); coding-DNA position 1671, A replaced by C.
Protein change: p.Leu557Phe; replaces leucine 557 with phenylalanine.
Molecular consequence: missense variant.
Genome position (GRCh38, 1-based): chr14:92,006,305, T>G on the plus strand (A>C on the coding strand, the complement: TRIP11 is on the minus strand). VCF-style: chr14-92006305-T-G. GRCh37 (hg19) VCF-style: chr14-92472649-T-G.
Other names: c.1668A>C, p.Leu556Phe (NM_001321851.1); short protein forms L556F, L557F.
Identifiers: ClinVar variation 2184535 (VCV002184535.4), dbSNP rs768101560, ClinGen allele CA7313886.